The following is an entry in ClinVar:

NM_000548.5(TSC2):c.4663-10C>T

Gene: TSC2 (TSC complex subunit 2; plus strand). Cytogenetic location: 16p13.3.
Variant type: single nucleotide variant.
Coding change: c.4663-10C>T on transcript NM_000548.5 (MANE Select); 10 bases into the intron before coding-DNA position 4663, C replaced by T.
Molecular consequence: intron variant.
Genome position (GRCh38, 1-based): chr16:2,086,183, C>T. VCF-style: chr16-2086183-C-T. GRCh37 (hg19) VCF-style: chr16-2136184-C-T.
Other names: c.4594-10C>T (NM_001114382.3); c.4534-10C>T (NM_021055.3, NM_001370405.1); c.4465-10C>T (NM_001363528.2); c.4531-10C>T (NM_001370404.1); c.4462-10C>T (NM_001077183.3); c.4354-10C>T (NM_001318827.2); c.3931-10C>T (NM_001318831.2); c.4318-10C>T (NM_001318829.2); and 1 more.
Identifiers: ClinVar variation 1153304 (VCV001153304.10), dbSNP rs766608928, ClinGen allele CA718920987.

ClinVar aggregate classification (germline): Likely benign. Review status: criteria provided, multiple submitters, no conflicts (2 of 4 stars). 2 submissions from 2 submitters: Likely benign (2). Last evaluated 2025-06-04.

Conditions:
Tuberous sclerosis 2 (TSC2). Identifiers: Orphanet 805, MedGen C1860707, MONDO:0013199, OMIM 613254.

Submissions (2):

Myriad Genetics, Inc.
Classification: Likely benign for Tuberous sclerosis 2. Last evaluated: 2025-06-04. Review status: criteria provided, single submitter. Criteria: Myriad Autosomal Dominant, Autosomal Recessive and X-Linked Classification Criteria (2023). Collection method: clinical testing. Allele origin: unknown.
Comment: This variant is considered likely benign. This variant is intronic and is not expected to impact mRNA splicing.

Labcorp Genetics (formerly Invitae), Labcorp
Classification: Likely benign for Tuberous sclerosis 2. Last evaluated: 2024-04-08. Review status: criteria provided, single submitter. Criteria: Invitae Variant Classification Sherloc (09022015). Collection method: clinical testing. Allele origin: germline.